The following is an entry in ClinVar:

ClinVar aggregate classification (germline): Likely pathogenic (1 of 4 stars; one submission).

Conditions:
Neuromuscular disease caused by qualitative or quantitative defects of dysferlin. Also called: Dysferlinopathy; Qualitative or quantitative defects of dysferlin. Identifiers: Orphanet 207073, MedGen C2931687, MONDO:0016145.

Submission:

Labcorp Genetics (formerly Invitae), Labcorp
Classification: Likely pathogenic for Neuromuscular disease caused by qualitative or quantitative defects of dysferlin. Last evaluated: 2024-12-11. Review status: criteria provided, single submitter. Criteria: Invitae Variant Classification Sherloc (09022015). Collection method: clinical testing. Allele origin: germline.
Comment: This sequence change replaces proline, which is neutral and non-polar, with glutamine, which is neutral and polar, at codon 791 of the DYSF protein (p.Pro791Gln). This variant is not present in population databases (gnomAD no frequency). This variant has not been reported in the literature in individuals affected with DYSF-related conditions. Invitae Evidence Modeling of protein sequence and biophysical properties (such as structural, functional, and spatial information, amino acid conservation, physicochemical variation, residue mobility, and thermodynamic stability) indicates that this missense variant is expected to disrupt DYSF protein function with a positive predictive value of 95%. This variant disrupts the p.Pro791 amino acid residue in DYSF. Other variant(s) that disrupt this residue have been determined to be pathogenic (PMID: 10196377, 16996541). This suggests that this residue is clinically significant, and that variants that disrupt this residue are likely to be disease-causing. In summary, the currently available evidence indicates that the variant is pathogenic, but additional data are needed to prove that conclusively. Therefore, this variant has been classified as Likely Pathogenic.

Literature cited by the submitters: PubMed 10196377; PubMed 16996541.

NM_001130987.2(DYSF):c.2426C>A (p.Pro809Gln)

Gene: DYSF (dysferlin; plus strand). Cytogenetic location: 2p13.2.
Variant type: single nucleotide variant.
Coding change: c.2426C>A on transcript NM_001130987.2 (MANE Select); coding-DNA position 2426, C replaced by A.
Protein change: p.Pro809Gln; replaces proline 809 with glutamine.
Molecular consequence: missense variant.
Genome position (GRCh38, 1-based): chr2:71,564,074, C>A. VCF-style: chr2-71564074-C-A. GRCh37 (hg19) VCF-style: chr2-71791204-C-A.
Other names: c.2372C>A, p.Pro791Gln (NM_003494.4, NM_001130978.2); c.2465C>A, p.Pro822Gln (NM_001130979.2); c.2423C>A, p.Pro808Gln (NM_001130980.2, NM_001130981.2); c.2468C>A, p.Pro823Gln (NM_001130982.2); c.2375C>A, p.Pro792Gln (NM_001130983.2, NM_001130455.2); c.2333C>A, p.Pro778Gln (NM_001130984.2, NM_001130986.2); c.2426C>A, p.Pro809Gln (NM_001130985.2); c.2330C>A, p.Pro777Gln (NM_001130976.2, NM_001130977.2); short protein forms P777Q, P822Q, P778Q, P808Q, P809Q, P791Q, P792Q, P823Q.
Identifiers: ClinVar variation 3684221 (VCV003684221.2).